The following is an entry in ClinVar:

ClinVar aggregate classification (germline): Uncertain significance. Review status: criteria provided, multiple submitters, no conflicts (2 of 4 stars). 2 submissions from 2 submitters: Uncertain significance (2). Last evaluated 2024-04-29.

Conditions:
Inborn genetic diseases. Identifiers: MedGen C0950123, MeSH D030342.

Allele frequency attached by ClinVar (database versions not stated): gnomAD exomes below 0.00001.
gnomAD v4.1: 4 of 1,608,790 alleles (0.00025%); highest among the groups gnomAD compares: Non-Finnish European, 0.00034%; no homozygotes.

Submissions (2):

Ambry Genetics
Classification: Uncertain significance for Inborn genetic diseases. Last evaluated: 2024-04-29. Review status: criteria provided, single submitter. Criteria: Ambry Variant Classification Scheme 2023. Collection method: clinical testing. Allele origin: germline.
Comment: The p.V802I variant (also known as c.2404G>A), located in coding exon 11 of the ATR gene, results from a G to A substitution at nucleotide position 2404. The valine at codon 802 is replaced by isoleucine, an amino acid with highly similar properties. This amino acid position is conserved. In addition, this alteration is predicted to be tolerated by in silico analysis. Based on the available evidence, the clinical significance of this variant remains unclear.

Labcorp Genetics (formerly Invitae), Labcorp
Classification: Uncertain significance. Last evaluated: 2023-04-08. Review status: criteria provided, single submitter. Criteria: Invitae Variant Classification Sherloc (09022015). Collection method: clinical testing. Allele origin: germline.
Comment: This variant has not been reported in the literature in individuals affected with ATR-related conditions. This variant is not present in population databases (gnomAD no frequency). This sequence change replaces valine, which is neutral and non-polar, with isoleucine, which is neutral and non-polar, at codon 802 of the ATR protein (p.Val802Ile). In summary, the available evidence is currently insufficient to determine the role of this variant in disease. Therefore, it has been classified as a Variant of Uncertain Significance. Algorithms developed to predict the effect of missense changes on protein structure and function output the following: SIFT: "Not Available"; PolyPhen-2: "Benign"; Align-GVGD: "Not Available". The isoleucine amino acid residue is found in multiple mammalian species, which suggests that this missense change does not adversely affect protein function.

NM_001184.4(ATR):c.2404G>A (p.Val802Ile)

Gene: ATR (ATR checkpoint kinase; minus strand). Cytogenetic location: 3q23.
Variant type: single nucleotide variant.
Coding change: c.2404G>A on transcript NM_001184.4 (MANE Select); coding-DNA position 2404, G replaced by A.
Protein change: p.Val802Ile; replaces valine 802 with isoleucine.
Molecular consequence: missense variant.
Genome position (GRCh38, 1-based): chr3:142,553,953, C>T on the plus strand (G>A on the coding strand, the complement: ATR is on the minus strand). VCF-style: chr3-142553953-C-T. GRCh37 (hg19) VCF-style: chr3-142272795-C-T.
Other names: c.2404G>A (NM_001184.3); c.2212G>A, p.Val738Ile (NM_001354579.2); short protein forms V802I, V738I.
Identifiers: ClinVar variation 2742588 (VCV002742588.4), dbSNP rs2108465795, ClinGen allele CA354816976.
Genomic context (GRCh38, chr3:142,553,953, plus strand): 5'-CTCTAACATCTTTGTCTGGATCTTCCATTAAATTTAATAAAGTTCCAAGAACTGCTTTTA[C>T]ATCTGTTTCATCTTCTCTAAAATCAAGATGCTTACAAAGATGATGTAGATTATCTATGAA-3'
Protein context (NP_001175.2, residues 792-812): HLDFREDETD[Val802Ile]KAVLGTLLNL